The following is an entry in ClinVar:

NM_000128.4(F11):c.1017C>A (p.Cys339Ter)

Gene: F11 (coagulation factor XI; plus strand). Cytogenetic location: 4q35.2.
Variant type: single nucleotide variant.
Coding change: c.1017C>A on transcript NM_000128.4 (MANE Select); coding-DNA position 1017, C replaced by A.
Protein change: p.Cys339Ter; replaces cysteine 339 with a stop codon.
Molecular consequence: nonsense.
Genome position (GRCh38, 1-based): chr4:186,280,374, C>A. VCF-style: chr4-186280374-C-A. GRCh37 (hg19) VCF-style: chr4-187201528-C-A.
Other names: c.1017C>A (NM_000128.3); short protein forms C339*.
Identifiers: ClinVar variation 1076510 (VCV001076510.3), dbSNP rs745901569, ClinGen allele CA3163835.

ClinVar aggregate classification (germline): Conflicting classifications of pathogenicity. Review status: criteria provided, conflicting classifications (1 of 4 stars). 2 submissions from 2 submitters: Pathogenic (1); Uncertain significance (1). Last evaluated 2024-01-17.

Submissions (2):

GeneDx
Classification: Uncertain significance. Last evaluated: 2024-01-17. Review status: criteria provided, single submitter. Criteria: GeneDx Variant Classification Process June 2021. Collection method: clinical testing. Allele origin: germline. Affected: yes.
Comment: Nonsense variant predicted to result in protein truncation or nonsense mediated decay in a gene for which loss of function is a known mechanism of disease; Has not been previously published as pathogenic or benign to our knowledge

Labcorp Genetics (formerly Invitae), Labcorp
Classification: Pathogenic. Last evaluated: 2020-02-18. Review status: criteria provided, single submitter. Criteria: Invitae Variant Classification Sherloc (09022015). Collection method: clinical testing. Allele origin: germline.
Comment: This sequence change creates a premature translational stop signal (p.Cys339*) in the F11 gene. It is expected to result in an absent or disrupted protein product. This variant is present in population databases (rs745901569, ExAC 0.02%). This variant has not been reported in the literature in individuals with F11-related conditions. Loss-of-function variants in F11 are known to be pathogenic (PMID: 23929304). For these reasons, this variant has been classified as Pathogenic.

Literature cited by the submitters: PubMed 23929304 (cited by Labcorp Genetics (formerly Invitae), Labcorp).